The following is an entry in ClinVar:

ClinVar aggregate classification (germline): Conflicting classifications of pathogenicity. Review status: criteria provided, conflicting classifications (1 of 4 stars). 10 submissions from 10 submitters: Uncertain significance (4); Likely benign (5). 1 of the submissions does not count toward it. Last evaluated 2026-09-21.

Conditions:
TMEM43-related disorder. Also called: TMEM43-related condition.
Cardiovascular phenotype. Identifiers: MedGen CN230736.
Emery-Dreifuss muscular dystrophy 7, autosomal dominant (EDMD7). Also called: Emery-Dreifuss muscular dystrophy 7, AD. Identifiers: Orphanet 261, MedGen C3553060, MONDO:0013677, OMIM 614302.
Cardiomyopathy (CMYO). Also called: Cardiomyopathies. Identifiers: Orphanet 167848, MedGen C0878544, MONDO:0004994, HP:0001638. Inheritance: Various modes of inheritance.
Arrhythmogenic right ventricular dysplasia 5. Also called: Arrhythmogenic Right Ventricular Dysplasia/Cardiomyopathy 5; ARRHYTHMOGENIC RIGHT VENTRICULAR DYSPLASIA, FAMILIAL, 5. Identifiers: MedGen C1858379, MONDO:0011459, OMIM 604400.

Allele frequency attached by ClinVar (database versions not stated): gnomAD 0.00009 and 0.00013; ExAC 0.00006; gnomAD exomes 0.00008 and 0.00024; ESP Exome Variant Server 0.00015; 1000 Genomes Project 30x 0.00016; TOPMed 0.00006; 1000 Genomes Project 0.00020.
gnomAD v4.1: 375 of 1,613,018 alleles (0.023%); highest among the groups gnomAD compares: East Asian, 0.57%; 7 homozygotes.

Submissions (10):

Molecular Diagnostic Laboratory for Inherited Cardiovascular Disease, Montreal Heart Institute
Classification: Likely benign. Last evaluated: 2026-09-21. Review status: criteria provided, single submitter. Criteria: ACMG Guidelines, 2015. Collection method: clinical testing. Allele origin: germline. Affected: no.
Comment: BS1, BP4

Women's Health and Genetics/Laboratory Corporation of America, LabCorp
Classification: Uncertain significance. Last evaluated: 2026-05-15. Review status: criteria provided, single submitter. Criteria: LabCorp Variant Classification Summary - May 2015. Collection method: clinical testing. Allele origin: germline.
Comment: Variant summary: TMEM43 c.271A>G (p.Ile91Val) results in a conservative amino acid change in the encoded protein sequence. Algorithms developed to predict the effect of missense changes on protein structure and function all suggest that this variant is likely to be tolerated. The variant allele was found at a frequency of 8e-05 in 250022 control chromosomes (gnomAD). This frequency is not significantly higher than estimated for disease-causing variants in TMEM43, allowing no conclusion about variant significance. c.271A>G has been observed in individuals affected with TMEM43-related conditions (e.g. Liang_2011, Saito_2021, Murphy_2024), including one case with Emery-Dreifuss muscular dystrophy-related myopathy. These reports do not provide unequivocal conclusions about association of the variant with disease. At least one publication reports experimental evidence evaluating an impact on protein function, however, does not allow convincing conclusions about the variant effect (Liang_2011). The following publications have been ascertained in the context of this evaluation (PMID: 21391237, 34486814, 38489124). ClinVar contains an entry for this variant (Variation ID: 40871). Based on the evidence outlined above, the variant was classified as uncertain significance.

PreventionGenetics, part of Exact Sciences
Classification: Likely benign for TMEM43-related condition. Last evaluated: 2025-03-25. Review status: criteria provided, single submitter. Criteria: ACMG Guidelines, 2015. Collection method: clinical testing. Allele origin: germline.
Comment: This variant is classified as likely benign based on ACMG/AMP sequence variant interpretation guidelines (Richards et al. 2015 PMID: 25741868, with internal and published modifications).

Blueprint Genetics
Classification: Likely benign. Last evaluated: 2024-08-16. Review status: criteria provided, single submitter. Criteria: ACMG Guidelines, 2015. Collection method: clinical testing. Allele origin: germline.

Labcorp Genetics (formerly Invitae), Labcorp
Classification: Uncertain significance for Arrhythmogenic right ventricular dysplasia 5. Last evaluated: 2022-08-16. Review status: criteria provided, single submitter. Criteria: Invitae Variant Classification Sherloc (09022015). Collection method: clinical testing. Allele origin: germline.
Comment: This sequence change replaces isoleucine, which is neutral and non-polar, with valine, which is neutral and non-polar, at codon 91 of the TMEM43 protein (p.Ile91Val). This variant is present in population databases (rs144811578, gnomAD 0.07%), and has an allele count higher than expected for a pathogenic variant. This missense change has been observed in individual(s) with muscular dystrophy (PMID: 21391237, 21636032, 23812740). ClinVar contains an entry for this variant (Variation ID: 40871). Algorithms developed to predict the effect of missense changes on protein structure and function output the following: SIFT: "Tolerated"; PolyPhen-2: "Benign"; Align-GVGD: "Class C0". The valine amino acid residue is found in multiple mammalian species, which suggests that this missense change does not adversely affect protein function. Experimental studies are conflicting or provide insufficient evidence to determine the effect of this variant on TMEM43 function (PMID: 21391237). In summary, the available evidence is currently insufficient to determine the role of this variant in disease. Therefore, it has been classified as a Variant of Uncertain Significance.

GeneDx
Classification: Uncertain significance. Last evaluated: 2022-04-28. Review status: criteria provided, single submitter. Criteria: GeneDx Variant Classification Process June 2021. Collection method: clinical testing. Allele origin: germline. Affected: yes.
Comment: Reported in an individual with LGMD (Liang et al., 2001) and in three individuals with diffuse myofilament lysis, two of whom harbored additional disease-related variants (Saito et al., 2021); Reported in an individual from a control cohort (Kapplinger et al., 2011); In silico analysis supports that this missense variant does not alter protein structure/function; Transfected HeLa cells with overexpression of the p.(I91V) variant showed an abnormal nuclear shape (Liang et al., 2011), although the clinical relevance of this finding is not well established; This variant is associated with the following publications: (PMID: 24598986, 23812740, 21391237, 21636032, 34486814)

Color Diagnostics, LLC DBA Color Health
Classification: Likely benign for Cardiomyopathy. Last evaluated: 2019-11-05. Review status: criteria provided, single submitter. Criteria: ACMG Guidelines, 2015. Collection method: clinical testing. Allele origin: germline.

Ambry Genetics
Classification: Likely benign for Cardiovascular phenotype. Last evaluated: 2019-06-11. Review status: criteria provided, single submitter. Criteria: Ambry Variant Classification Scheme 2023. Collection method: clinical testing. Allele origin: germline.

Laboratory for Molecular Medicine, Mass General Brigham Personalized Medicine
Classification: Uncertain significance. Last evaluated: 2016-03-31. Review status: criteria provided, single submitter. Criteria: LMM Criteria. Collection method: clinical testing. Allele origin: germline.
Comment: Variant identified in a genome or exome case(s) and assessed due to predicted null impact of the variant or pathogenic assertions in the literature or databases. Disclaimer: This variant has not undergone full assessment. The following are preliminary notes: 1 paper in HGMD; ExAC: 6/8626 East Asian; ClinVar: 1 VUS

OMIM
Classification: Pathogenic for EMERY-DREIFUSS MUSCULAR DYSTROPHY 7, AUTOSOMAL DOMINANT. Last evaluated: 2011-06-01. Review status: no assertion criteria provided. Collection method: literature only. Allele origin: germline. Not counted in ClinVar's aggregate classification.

Literature cited by the submitters: PubMed 21391237 (cited by 4 submitters); PubMed 38489124 (cited by Women's Health and Genetics/Laboratory Corporation of America, LabCorp); PubMed 34486814 (cited by Women's Health and Genetics/Laboratory Corporation of America, LabCorp); PubMed 21636032 (cited by Labcorp Genetics (formerly Invitae), Labcorp and Ambry Genetics); PubMed 23812740 (cited by Labcorp Genetics (formerly Invitae), Labcorp and Ambry Genetics).

NM_024334.3(TMEM43):c.271A>G (p.Ile91Val)

Gene: TMEM43 (transmembrane protein 43; plus strand). Cytogenetic location: 3p25.1.
Variant type: single nucleotide variant.
Coding change: c.271A>G on transcript NM_024334.3 (MANE Select); coding-DNA position 271, A replaced by G.
Protein change: p.Ile91Val; replaces isoleucine 91 with valine.
Molecular consequence: missense variant.
Genome position (GRCh38, 1-based): chr3:14,130,930, A>G. VCF-style: chr3-14130930-A-G. GRCh37 (hg19) VCF-style: chr3-14172430-A-G.
Other names: p.I91V:ATC>GTC; short protein forms I91V.
Identifiers: ClinVar variation 40871 (VCV000040871.24), dbSNP rs144811578, ClinGen allele CA024641.
Genomic context (GRCh38, chr3:14,130,930, plus strand): 5'-GTGGTGTCTCCCGACAGCATCCACAGTGTGGCTCCGGAGAATGAAGGAAGGCTGGTGCAC[A>G]TCATTGGCGCCTTACGGACATCCAAGGTAGGTTTGGCAGGGGATGCTGACCTGCCAGTGG-3'
Protein context (NP_077310.1, residues 81-101): APENEGRLVH[Ile91Val]IGALRTSKLL